The following is an entry in ClinVar:

NM_001903.5(CTNNA1):c.2519_2541dup (p.Gly848fs)

Gene: CTNNA1 (catenin alpha 1; plus strand). Cytogenetic location: 5q31.2.
Variant type: Duplication.
Coding change: c.2519_2541dup on transcript NM_001903.5 (MANE Select); coding-DNA positions 2519 to 2541, 23 bases duplicated (CTACCAAATACCAAAAGTCACAG).
Protein change: p.Gly848fs; shifts the reading frame from glycine 848.
Molecular consequence: frameshift variant. On other transcripts: 3 prime UTR variant (5).
Genome position (GRCh38, 1-based): chr5:138,933,887-138,933,909, CTACCAAATACCAAAAGTCACAG duplicated. VCF-style (leftmost placement, unchanged base first): chr5-138933886-T-TCTACCAAATACCAAAAGTCACAG. GRCh37 (hg19) VCF-style: chr5-138269575-T-TCTACCAAATACCAAAAGTCACAG.
Other names: c.*64_*86dup (NM_001290307.3, NM_001324002.1, NM_001324003.1 and 2 more transcripts); c.2210_2232dup, p.Gly745fs (NM_001290309.3); c.2150_2172dup, p.Gly725fs (NM_001290310.3); c.1409_1431dup, p.Gly478fs (NM_001290312.1, NM_001323995.1, NM_001323996.1 and 12 more transcripts); c.2519_2541dup, p.Gly848fs (NM_001323982.2, NM_001323983.1, NM_001323984.2); c.2492_2514dup, p.Gly839fs (NM_001323985.2); c.2426_2448dup, p.Gly817fs (NM_001323986.2); c.1274_1296dup, p.Gly433fs (NM_001324001.1); and 3 more; short protein forms G839fs, G848fs, G478fs, G365fs, G397fs, G433fs, G447fs, G725fs.
Identifiers: ClinVar variation 2007556 (VCV002007556.4), dbSNP rs2533950067, ClinGen allele CA2580072891.

ClinVar aggregate classification (germline): Uncertain significance (1 of 4 stars; one submission).

Submission:

Labcorp Genetics (formerly Invitae), Labcorp
Classification: Uncertain significance. Last evaluated: 2022-06-17. Review status: criteria provided, single submitter. Criteria: Invitae Variant Classification Sherloc (09022015). Collection method: clinical testing. Allele origin: germline.
Comment: In summary, the available evidence is currently insufficient to determine the role of this variant in disease. Therefore, it has been classified as a Variant of Uncertain Significance. Experimental studies and prediction algorithms are not available or were not evaluated, and the functional significance of this variant is currently unknown. This variant has not been reported in the literature in individuals affected with CTNNA1-related conditions. This variant is not present in population databases (gnomAD no frequency). This sequence change creates a premature translational stop signal (p.Gly848Leufs*22) in the CTNNA1 gene. While this is not anticipated to result in nonsense mediated decay, it is expected to disrupt the last 59 amino acid(s) of the CTNNA1 protein.